The following is an entry in ClinVar:

NM_005982.4(SIX1):c.722C>A (p.Ala241Asp)

Gene: SIX1 (SIX homeobox 1; minus strand). Cytogenetic location: 14q23.1.
Variant type: single nucleotide variant.
Coding change: c.722C>A on transcript NM_005982.4 (MANE Select); coding-DNA position 722, C replaced by A.
Protein change: p.Ala241Asp; replaces alanine 241 with aspartic acid.
Molecular consequence: missense variant.
Genome position (GRCh38, 1-based): chr14:60,646,416, G>T on the plus strand (C>A on the coding strand, the complement: SIX1 is on the minus strand). VCF-style: chr14-60646416-G-T. GRCh37 (hg19) VCF-style: chr14-61113134-G-T.
Other names: c.*141C>A (NM_001425142.1); short protein forms A241D.
Identifiers: ClinVar variation 2935166 (VCV002935166.3), dbSNP rs2502639388, ClinGen allele CA389909681.

ClinVar aggregate classification (germline): Uncertain significance (1 of 4 stars; one submission).

Conditions:
Branchiootic syndrome 3 (BOS3). Also called: BO SYNDROME 3. Identifiers: MedGen C1842124, MONDO:0012025, OMIM 608389.
Autosomal dominant nonsyndromic hearing loss 23. Identifiers: Orphanet 90635, MedGen C1854594, MONDO:0011519, OMIM 605192.

Submission:

Labcorp Genetics (formerly Invitae), Labcorp
Classification: Uncertain significance for Autosomal dominant nonsyndromic hearing loss 23; Branchiootic syndrome 3. Last evaluated: 2022-11-11. Review status: criteria provided, single submitter. Criteria: Invitae Variant Classification Sherloc (09022015). Collection method: clinical testing. Allele origin: germline.
Comment: This variant is not present in population databases (gnomAD no frequency). This variant has not been reported in the literature in individuals affected with SIX1-related conditions. Algorithms developed to predict the effect of missense changes on protein structure and function are either unavailable or do not agree on the potential impact of this missense change (SIFT: "Deleterious"; PolyPhen-2: "Benign"; Align-GVGD: "Class C0"). In summary, the available evidence is currently insufficient to determine the role of this variant in disease. Therefore, it has been classified as a Variant of Uncertain Significance. This sequence change replaces alanine, which is neutral and non-polar, with aspartic acid, which is acidic and polar, at codon 241 of the SIX1 protein (p.Ala241Asp).